The following is an entry in ClinVar:

ClinVar aggregate classification (germline): Uncertain significance. Review status: criteria provided, multiple submitters, no conflicts (2 of 4 stars). 4 submissions from 4 submitters: Uncertain significance (4). Last evaluated 2026-09-18.

Conditions:
Ehlers-Danlos syndrome due to tenascin-X deficiency (EDSCLL1). Also called: EHLERS-DANLOS SYNDROME, CLASSIC-LIKE; Ehlers-Danlos syndrome, classic-like, 1; EDS DUE TO TNX DEFICIENCY; TNX DEFICIENCY; TNXB-Related Classical-Like Ehlers-Danlos Syndrome. Identifiers: Orphanet 230839, MedGen C1848029, MONDO:0011670, OMIM 606408.
Vesicoureteral reflux 8 (VUR8). Identifiers: Orphanet 289365, MedGen C4014831, MONDO:0014422, OMIM 615963.
Cardiovascular phenotype. Identifiers: MedGen CN230736.

Allele frequency attached by ClinVar (database versions not stated): gnomAD 0.00002; TOPMed 0.00006; gnomAD exomes 0.00002.
gnomAD v4.1: 36 of 1,611,682 alleles (0.0022%); highest among the groups gnomAD compares: Admixed American, 0.01%; 1 homozygote.

Submissions (4):

GeneDx
Classification: Uncertain significance. Last evaluated: 2026-09-18. Review status: criteria provided, single submitter. Criteria: GeneDx Variant Classification Process June 2021. Collection method: clinical testing. Allele origin: germline.
Comment: In silico analysis supports that this missense variant has a deleterious effect on protein structure/function; Has not been previously published as pathogenic or benign to our knowledge

Ambry Genetics
Classification: Uncertain significance for Cardiovascular phenotype. Last evaluated: 2026-06-24. Review status: criteria provided, single submitter. Criteria: Ambry Variant Classification Scheme 2023. Collection method: clinical testing. Allele origin: germline.

Clinical Genetics Laboratory, Skane University Hospital Lund
Classification: Uncertain significance. Last evaluated: 2023-07-19. Review status: criteria provided, single submitter. Criteria: ACMG Guidelines, 2015. Collection method: clinical testing. Allele origin: germline. Affected: yes.

Fulgent Genetics
Classification: Uncertain significance for Ehlers-Danlos syndrome due to tenascin-X deficiency; Vesicoureteral reflux 8. Last evaluated: 2021-07-27. Review status: criteria provided, single submitter. Criteria: ACMG Guidelines, 2015. Collection method: clinical testing. Allele origin: unknown.

NM_001365276.2(TNXB):c.9458C>G (p.Pro3153Arg)

Gene: TNXB (tenascin XB; minus strand). Cytogenetic location: 6p21.33.
Variant type: single nucleotide variant.
Coding change: c.9458C>G on transcript NM_001365276.2 (MANE Select); coding-DNA position 9458, C replaced by G.
Protein change: p.Pro3153Arg; replaces proline 3153 with arginine.
Molecular consequence: missense variant.
Genome position (GRCh38, 1-based): chr6:32,049,569, G>C on the plus strand (C>G on the coding strand, the complement: TNXB is on the minus strand). VCF-style: chr6-32049569-G-C. GRCh37 (hg19) VCF-style: chr6-32017346-G-C.
Other names: c.9452C>G, p.Pro3151Arg (NM_019105.8); short protein forms P3151R, P3153R.
Identifiers: ClinVar variation 1214713 (VCV001214713.12), dbSNP rs763407660, ClinGen allele CA136900710.